The following is an entry in ClinVar:

NM_002335.4(LRP5):c.220A>G (p.Lys74Glu)

Gene: LRP5 (LDL receptor related protein 5; plus strand). Cytogenetic location: 11q13.2.
Variant type: single nucleotide variant.
Coding change: c.220A>G on transcript NM_002335.4 (MANE Select); coding-DNA position 220, A replaced by G.
Protein change: p.Lys74Glu; replaces lysine 74 with glutamic acid.
Molecular consequence: missense variant. On other transcripts: 5 prime UTR variant (1).
Genome position (GRCh38, 1-based): chr11:68,347,975, A>G. VCF-style: chr11-68347975-A-G. GRCh37 (hg19) VCF-style: chr11-68115443-A-G.
Other names: c.-1546A>G (NM_001291902.2); short protein forms K74E.
Identifiers: ClinVar variation 1514966 (VCV001514966.7), dbSNP rs765603774, ClinGen allele CA6148938.
Genomic context (GRCh38, chr11:68,347,975, plus strand): 5'-GAGTCCACCATCGTGGTCAGCGGCCTGGAGGATGCGGCCGCAGTGGACTTCCAGTTTTCC[A>G]AGGGAGCCGTGTACTGGACAGACGTGAGCGAGGAGGCCATCAAGCAGACCTACCTGAACC-3'
Protein context (NP_002326.2, residues 64-84): DAAAVDFQFS[Lys74Glu]GAVYWTDVSE

ClinVar aggregate classification (germline): Uncertain significance. Review status: criteria provided, multiple submitters, no conflicts (2 of 4 stars). 2 submissions from 2 submitters: Uncertain significance (2). Last evaluated 2025-03-22.

Conditions:
Autosomal dominant osteopetrosis 1 (OPTA1). Also called: OSTEOPETROSIS, AUTOSOMAL DOMINANT, TYPE I. Identifiers: Orphanet 2783, MedGen C1843330, MONDO:0011877, OMIM 607634.
Exudative vitreoretinopathy 1 (EVR1). Also called: CRISWICK-SCHEPENS SYNDROME; FEVR, AUTOSOMAL DOMINANT; Familial exudative vitreoretinopathy, autosomal dominant. Identifiers: Orphanet 891, Orphanet 90050, MedGen C1851402, MONDO:0007589, OMIM 133780.
Osteoporosis. Identifiers: MedGen C0029456, MONDO:0005298, OMIM 166710, HP:0000939.
Polycystic liver disease 4 with or without kidney cysts. Identifiers: MedGen C4693479, MONDO:0044327, OMIM 617875.
Exudative vitreoretinopathy 4 (EVR4). Identifiers: Orphanet 891, MedGen C1866176, MONDO:0011151, OMIM 601813.
Osteoporosis with pseudoglioma (OPPG). Also called: osteoporosis-pseudoglioma syndrome. Identifiers: Orphanet 2788, MedGen C0432252, MONDO:0009820, OMIM 259770.
Bone mineral density quantitative trait locus 1 (BMND1). Identifiers: MedGen C1866079, OMIM 601884.
Worth disease. Also called: Autosomal dominant osteosclerosis, Worth type; ENDOSTEAL HYPEROSTOSIS, AUTOSOMAL DOMINANT; OSTEOSCLEROSIS, AUTOSOMAL DOMINANT. Identifiers: Orphanet 2790, MedGen C0432273, MONDO:0007764, OMIM 144750.

Allele frequency attached by ClinVar (database versions not stated): gnomAD exomes below 0.00001 and 0.00001; ExAC 0.00001; gnomAD 0.00001; TOPMed 0.00003.
gnomAD v4.1: 8 of 1,614,026 alleles (0.0005%); highest among the groups gnomAD compares: Admixed American, 0.0033%; no homozygotes.

Submissions (2):

Labcorp Genetics (formerly Invitae), Labcorp
Classification: Uncertain significance. Last evaluated: 2025-03-22. Review status: criteria provided, single submitter. Criteria: Invitae Variant Classification Sherloc (09022015). Collection method: clinical testing. Allele origin: germline.
Comment: This sequence change replaces lysine, which is basic and polar, with glutamic acid, which is acidic and polar, at codon 74 of the LRP5 protein (p.Lys74Glu). This variant is present in population databases (rs765603774, gnomAD 0.002%). This variant has not been reported in the literature in individuals affected with LRP5-related conditions. ClinVar contains an entry for this variant (Variation ID: 1514966). Invitae Evidence Modeling of protein sequence and biophysical properties (such as structural, functional, and spatial information, amino acid conservation, physicochemical variation, residue mobility, and thermodynamic stability) indicates that this missense variant is not expected to disrupt LRP5 protein function with a negative predictive value of 95%. In summary, the available evidence is currently insufficient to determine the role of this variant in disease. Therefore, it has been classified as a Variant of Uncertain Significance.

Fulgent Genetics
Classification: Uncertain significance for Exudative vitreoretinopathy 1; Worth disease; Osteoporosis; Osteoporosis with pseudoglioma; Exudative vitreoretinopathy 4; Bone mineral density quantitative trait locus 1; Autosomal dominant osteopetrosis 1; Polycystic liver disease 4 with or without kidney cysts. Last evaluated: 2022-01-03. Review status: criteria provided, single submitter. Criteria: ACMG Guidelines, 2015. Collection method: clinical testing. Allele origin: unknown.